The following is an entry in ClinVar:

NM_004341.5(CAD):c.5148G>A (p.Thr1716=)

Gene: CAD (carbamoyl-phosphate synthetase 2, aspartate transcarbamylase, and dihydroorotase; plus strand). Cytogenetic location: 2p23.3.
Variant type: single nucleotide variant.
Coding change: c.5148G>A on transcript NM_004341.5 (MANE Select); coding-DNA position 5148, G replaced by A.
Protein change: p.Thr1716=; no amino-acid change (threonine 1716 retained).
Molecular consequence: synonymous variant.
Genome position (GRCh38, 1-based): chr2:27,239,127, G>A. VCF-style: chr2-27239127-G-A. GRCh37 (hg19) VCF-style: chr2-27461995-G-A.
Other names: c.4959G>A, p.Thr1653= (NM_001306079.2); c.5148G>A (NM_004341.3).
Identifiers: ClinVar variation 2425568 (VCV002425568.8), dbSNP rs374597627, ClinGen allele CA1573764.

ClinVar aggregate classification (germline): Conflicting classifications of pathogenicity. Review status: criteria provided, conflicting classifications (1 of 4 stars). 2 submissions from 2 submitters: Uncertain significance (1); Likely benign (1). Last evaluated 2025-11-05.

Allele frequency attached by ClinVar (database versions not stated): gnomAD exomes 0.00001; ExAC 0.00003; gnomAD 0.00004; TOPMed 0.00004; ESP Exome Variant Server 0.00008.

Submissions (2):

Labcorp Genetics (formerly Invitae), Labcorp
Classification: Likely benign. Last evaluated: 2025-11-05. Review status: criteria provided, single submitter. Criteria: Invitae Variant Classification Sherloc (09022015). Collection method: clinical testing. Allele origin: germline.

GeneDx
Classification: Uncertain significance. Last evaluated: 2024-11-10. Review status: criteria provided, single submitter. Criteria: GeneDx Variant Classification Process June 2021. Collection method: clinical testing. Allele origin: germline. Affected: yes.
Comment: In silico analysis suggests this variant may impact gene splicing. In the absence of RNA/functional studies, the actual effect of this sequence change is unknown.; Has not been previously published as pathogenic or benign to our knowledge